The following is an entry in ClinVar:

NM_015512.5(DNAH1):c.562C>G (p.Arg188Gly)

Gene: DNAH1 (dynein axonemal heavy chain 1; plus strand). Cytogenetic location: 3p21.1.
Variant type: single nucleotide variant.
Coding change: c.562C>G on transcript NM_015512.5 (MANE Select); coding-DNA position 562, C replaced by G.
Protein change: p.Arg188Gly; replaces arginine 188 with glycine.
Molecular consequence: missense variant.
Genome position (GRCh38, 1-based): chr3:52,326,295, C>G. VCF-style: chr3-52326295-C-G. GRCh37 (hg19) VCF-style: chr3-52360311-C-G.
Other names: short protein forms R188G.
Identifiers: ClinVar variation 544630 (VCV000544630.5), dbSNP rs368210345, ClinGen allele CA74753156.

ClinVar aggregate classification (germline): Uncertain significance (1 of 4 stars; one submission).

Conditions:
Spermatogenic failure 18. Identifiers: MedGen C4539783, MONDO:0054615, OMIM 617576.
Ciliary dyskinesia, primary, 37 (CILD37). Also called: CILIARY DYSKINESIA, PRIMARY, 37, WITH OR WITHOUT SITUS INVERSUS. Identifiers: MedGen C4539798, MONDO:0033204, OMIM 617577.

Allele frequency attached by ClinVar (database versions not stated): TOPMed 0.00003; ESP Exome Variant Server 0.00008.
gnomAD v4.1: 13 of 1,608,830 alleles (0.00081%); highest among the groups gnomAD compares: Non-Finnish European, 0.0011%; no homozygotes.

Submission:

Labcorp Genetics (formerly Invitae), Labcorp
Classification: Uncertain significance for Ciliary dyskinesia, primary, 37; Spermatogenic failure 18. Last evaluated: 2022-10-17. Review status: criteria provided, single submitter. Criteria: Invitae Variant Classification Sherloc (09022015). Collection method: clinical testing. Allele origin: germline.
Comment: In summary, the available evidence is currently insufficient to determine the role of this variant in disease. Therefore, it has been classified as a Variant of Uncertain Significance. Algorithms developed to predict the effect of missense changes on protein structure and function are either unavailable or do not agree on the potential impact of this missense change (SIFT: "Deleterious"; PolyPhen-2: "Probably Damaging"; Align-GVGD: "Class C0"). ClinVar contains an entry for this variant (Variation ID: 544630). This variant has not been reported in the literature in individuals affected with DNAH1-related conditions. This variant is present in population databases (rs368210345, gnomAD 0.01%). This sequence change replaces arginine, which is basic and polar, with glycine, which is neutral and non-polar, at codon 188 of the DNAH1 protein (p.Arg188Gly).